The following is an entry in ClinVar:

NM_005121.3(MED13):c.5211C>G (p.Gly1737=)

Gene: MED13 (mediator complex subunit 13; minus strand). Cytogenetic location: 17q23.2.
Variant type: single nucleotide variant.
Coding change: c.5211C>G on transcript NM_005121.3 (MANE Select); coding-DNA position 5211, C replaced by G.
Protein change: p.Gly1737=; no amino-acid change (glycine 1737 retained).
Molecular consequence: synonymous variant.
Genome position (GRCh38, 1-based): chr17:61,961,633, G>C on the plus strand (C>G on the coding strand, the complement: MED13 is on the minus strand). VCF-style: chr17-61961633-G-C. GRCh37 (hg19) VCF-style: chr17-60038994-G-C.
Other names: c.5211C>G (NM_005121.2).
Identifiers: ClinVar variation 2648005 (VCV002648005.25), dbSNP rs750135566, ClinGen allele CA8692231.

ClinVar aggregate classification (germline): Likely benign. Review status: criteria provided, single submitter (1 of 4 stars). 2 submissions from 2 submitters: Likely benign (1). 1 of the submissions does not count toward it. Last evaluated 2022-07-01.

Conditions:
MED13-related disorder. Also called: MED13-related condition.

Allele frequency attached by ClinVar (database versions not stated): ExAC 0.00001; gnomAD 0.00003; TOPMed 0.00003.
gnomAD v4.1: 21 of 1,613,280 alleles (0.0013%); highest among the groups gnomAD compares: Non-Finnish European, 0.0018%; no homozygotes.

Submissions (2):

CeGaT Center for Human Genetics Tuebingen
Classification: Likely benign. Last evaluated: 2022-07-01. Review status: criteria provided, single submitter. Criteria: CeGaT Center For Human Genetics Tuebingen Variant Classification Criteria Version 2. Collection method: clinical testing. Allele origin: germline. Affected: yes. Observed: 1 variant allele.
Comment: MED13: BP4, BP7

PreventionGenetics, part of Exact Sciences
Classification: Likely benign for MED13-related condition. Last evaluated: 2019-07-23. Review status: no assertion criteria provided. Collection method: clinical testing. Allele origin: germline. Not counted in ClinVar's aggregate classification.
Comment: This variant is classified as likely benign based on ACMG/AMP sequence variant interpretation guidelines (Richards et al. 2015 PMID: 25741868, with internal and published modifications).